The following is an entry in ClinVar:

ClinVar aggregate classification (germline): Uncertain significance. Review status: criteria provided, multiple submitters, no conflicts (2 of 4 stars). 2 submissions from 2 submitters: Uncertain significance (2). Last evaluated 2025-11-20.

Conditions:
Primary ciliary dyskinesia. Also called: Ciliary dyskinesia. Identifiers: Orphanet 244, MedGen C0008780, MONDO:0016575, HP:0012265.

Allele frequency attached by ClinVar (database versions not stated): gnomAD exomes below 0.00001; ExAC 0.00005; TOPMed 0.00007; ESP Exome Variant Server 0.00008; gnomAD 0.00009.
gnomAD v4.1: 21 of 1,605,642 alleles (0.0013%); highest among the groups gnomAD compares: African/African-American, 0.027%; no homozygotes.

Submissions (2):

Ambry Genetics
Classification: Uncertain significance for Primary ciliary dyskinesia. Last evaluated: 2025-11-20. Review status: criteria provided, single submitter. Criteria: Ambry Variant Classification Scheme 2023. Collection method: clinical testing. Allele origin: germline.

Labcorp Genetics (formerly Invitae), Labcorp
Classification: Uncertain significance for Primary ciliary dyskinesia. Last evaluated: 2024-08-28. Review status: criteria provided, single submitter. Criteria: Invitae Variant Classification Sherloc (09022015). Collection method: clinical testing. Allele origin: germline.
Comment: This sequence change replaces serine, which is neutral and polar, with asparagine, which is neutral and polar, at codon 516 of the DNAAF5 protein (p.Ser516Asn). This variant is present in population databases (rs371695032, gnomAD 0.04%). This variant has not been reported in the literature in individuals affected with DNAAF5-related conditions. ClinVar contains an entry for this variant (Variation ID: 2078837). Invitae Evidence Modeling of protein sequence and biophysical properties (such as structural, functional, and spatial information, amino acid conservation, physicochemical variation, residue mobility, and thermodynamic stability) indicates that this missense variant is not expected to disrupt DNAAF5 protein function with a negative predictive value of 80%. In summary, the available evidence is currently insufficient to determine the role of this variant in disease. Therefore, it has been classified as a Variant of Uncertain Significance.

NM_017802.4(DNAAF5):c.1547G>A (p.Ser516Asn)

Gene: DNAAF5 (dynein axonemal assembly factor 5; plus strand). Cytogenetic location: 7p22.3.
Variant type: single nucleotide variant.
Coding change: c.1547G>A on transcript NM_017802.4 (MANE Select); coding-DNA position 1547, G replaced by A.
Protein change: p.Ser516Asn; replaces serine 516 with asparagine.
Molecular consequence: missense variant. On other transcripts: non-coding transcript variant (1).
Genome position (GRCh38, 1-based): chr7:761,829, G>A. VCF-style: chr7-761829-G-A. GRCh37 (hg19) VCF-style: chr7-801466-G-A.
Other names: c.1547G>A (NM_017802.3); short protein forms S516N.
Identifiers: ClinVar variation 2078837 (VCV002078837.4), dbSNP rs371695032, ClinGen allele CA4110778.
Genomic context (GRCh38, chr7:761,829, plus strand): 5'-GCCTGCTGCTGTGTGTGCAGGCTCTGGTGTCTGTGTGTCATGAGGACTGTGGCGTGGCCA[G>A]CCTGCAGCTCTTGGACGTGCTGCTGACAATAGTGGCCCTCGCAGGTGCTACCGGCCTGAG-3'
Protein context (NP_060272.3, residues 506-526): SVCHEDCGVA[Ser516Asn]LQLLDVLLTI